The following is an entry in ClinVar:

NM_001101362.3(KBTBD13):c.751A>C (p.Thr251Pro)

Gene: KBTBD13 (kelch repeat and BTB domain containing 13; plus strand). Cytogenetic location: 15q22.31.
Variant type: single nucleotide variant.
Coding change: c.751A>C on transcript NM_001101362.3 (MANE Select); coding-DNA position 751, A replaced by C.
Protein change: p.Thr251Pro; replaces threonine 251 with proline.
Molecular consequence: missense variant.
Genome position (GRCh38, 1-based): chr15:65,077,566, A>C. VCF-style: chr15-65077566-A-C. GRCh37 (hg19) VCF-style: chr15-65369904-A-C.
Other names: short protein forms T251P.
Identifiers: ClinVar variation 2905524 (VCV002905524.3), dbSNP rs757250245, ClinGen allele CA7613970.

ClinVar aggregate classification (germline): Uncertain significance (1 of 4 stars; one submission).

Conditions:
Nemaline myopathy 6 (NEM6). Also called: Nemaline myopathy 6, autosomal dominant. Identifiers: Orphanet 171439, MedGen C1836472, MONDO:0012237, OMIM 609273.

Submission:

Labcorp Genetics (formerly Invitae), Labcorp
Classification: Uncertain significance for Nemaline myopathy 6. Last evaluated: 2023-04-24. Review status: criteria provided, single submitter. Criteria: Invitae Variant Classification Sherloc (09022015). Collection method: clinical testing. Allele origin: germline.
Comment: In summary, the available evidence is currently insufficient to determine the role of this variant in disease. Therefore, it has been classified as a Variant of Uncertain Significance. This sequence change replaces threonine, which is neutral and polar, with proline, which is neutral and non-polar, at codon 251 of the KBTBD13 protein (p.Thr251Pro). This variant is present in population databases (rs757250245, gnomAD 0.009%). This variant has not been reported in the literature in individuals affected with KBTBD13-related conditions. Advanced modeling of protein sequence and biophysical properties (such as structural, functional, and spatial information, amino acid conservation, physicochemical variation, residue mobility, and thermodynamic stability) performed at Invitae indicates that this missense variant is not expected to disrupt KBTBD13 protein function.